The following is an entry in ClinVar:

NM_018941.4(CLN8):c.620T>G (p.Leu207Arg)

Gene: CLN8 (CLN8 transmembrane ER and ERGIC protein; plus strand). Cytogenetic location: 8p23.3.
Variant type: single nucleotide variant.
Coding change: c.620T>G on transcript NM_018941.4 (MANE Select); coding-DNA position 620, T replaced by G.
Protein change: p.Leu207Arg; replaces leucine 207 with arginine.
Molecular consequence: missense variant.
Genome position (GRCh38, 1-based): chr8:1,780,326, T>G. VCF-style: chr8-1780326-T-G. GRCh37 (hg19) VCF-style: chr8-1728492-T-G.
Other names: short protein forms L207R.
Identifiers: ClinVar variation 3720796 (VCV003720796.4).
Genomic context (GRCh38, chr8:1,780,326, plus strand): 5'-CTCTGTTTTGGAAGCTCAACCAGTGGCTGATGATTCACATGTTTCACTGCCGCATGGTTC[T>G]AACCTACCACATGTGGTGGGTGTGTTTCTGGCACTGGGACGGCCTGGTCAGCAGCCTGTA-3'
Protein context (NP_061764.2, residues 197-217): MIHMFHCRMV[Leu207Arg]TYHMWWVCFW

ClinVar aggregate classification (germline): Likely pathogenic. Review status: criteria provided, multiple submitters, no conflicts (2 of 4 stars). 2 submissions from 2 submitters: Likely pathogenic (2). Last evaluated 2025-07-15.

Conditions:
Neuronal ceroid lipofuscinosis. Also called: Neuronal Ceroid Lipofuscinoses. Identifiers: Orphanet 216, Orphanet 79263, MedGen C0027877, MONDO:0016295. Disease mechanism: loss of function.

Submissions (2):

Women's Health and Genetics/Laboratory Corporation of America, LabCorp
Classification: Likely pathogenic for Neuronal ceroid lipofuscinosis. Last evaluated: 2025-07-15. Review status: criteria provided, single submitter. Criteria: LabCorp Variant Classification Summary - May 2015. Collection method: clinical testing. Allele origin: germline.
Comment: Variant summary: CLN8 c.620T>G (p.Leu207Arg) results in a non-conservative amino acid change in the encoded protein sequence. Algorithms developed to predict the effect of missense changes on protein structure and function all suggest that this variant is likely to be disruptive. The variant allele was found at a frequency of 4e-06 in 251416 control chromosomes. c.620T>G has been observed in the homozygous or presumed compound heterozygous state in multiple individual(s) affected with Neuronal Ceroid-Lipofuscinosis (Batten Disease) (example, Katata_2016, Saito_2021, Di Fruscio_2015), including at least 1 individual who carried a pathogenic variant in trans. These data indicate that the variant is likely to be associated with disease. To our knowledge, no experimental evidence demonstrating an impact on protein function has been reported. The following publications have been ascertained in the context of this evaluation (PMID: 26443629, 33694307, 30919163, 34201538, 27844444, 26075876). ClinVar contains an entry for this variant (Variation ID: 3720796). Based on the evidence outlined above, the variant was classified as likely pathogenic.

Labcorp Genetics (formerly Invitae), Labcorp
Classification: Likely pathogenic for Neuronal ceroid lipofuscinosis. Last evaluated: 2024-02-04. Review status: criteria provided, single submitter. Criteria: Invitae Variant Classification Sherloc (09022015). Collection method: clinical testing. Allele origin: germline.
Comment: This sequence change replaces leucine, which is neutral and non-polar, with arginine, which is basic and polar, at codon 207 of the CLN8 protein (p.Leu207Arg). This variant is present in population databases (rs781166361, gnomAD 0.006%). This missense change has been observed in individual(s) with neuronal ceroid lipofuscinosis (PMID: 26443629, 33694307). In at least one individual the data is consistent with being in trans (on the opposite chromosome) from a pathogenic variant. Advanced modeling of protein sequence and biophysical properties (such as structural, functional, and spatial information, amino acid conservation, physicochemical variation, residue mobility, and thermodynamic stability) performed at Invitae indicates that this missense variant is expected to disrupt CLN8 protein function with a positive predictive value of 80%. In summary, the currently available evidence indicates that the variant is pathogenic, but additional data are needed to prove that conclusively. Therefore, this variant has been classified as Likely Pathogenic.

Literature cited by the submitters: PubMed 26075876 (cited by Women's Health and Genetics/Laboratory Corporation of America, LabCorp); PubMed 30919163 (cited by Women's Health and Genetics/Laboratory Corporation of America, LabCorp); PubMed 26443629 (cited by Women's Health and Genetics/Laboratory Corporation of America, LabCorp and Labcorp Genetics (formerly Invitae), Labcorp); PubMed 33694307 (cited by Women's Health and Genetics/Laboratory Corporation of America, LabCorp and Labcorp Genetics (formerly Invitae), Labcorp); PubMed 34201538 (cited by Women's Health and Genetics/Laboratory Corporation of America, LabCorp); PubMed 27844444 (cited by Women's Health and Genetics/Laboratory Corporation of America, LabCorp).